The following is an entry in ClinVar:

NM_001374353.1(GLI2):c.1494C>T (p.Ser498=)

Gene: GLI2 (GLI family zinc finger 2; plus strand). Cytogenetic location: 2q14.2.
Variant type: single nucleotide variant.
Coding change: c.1494C>T on transcript NM_001374353.1 (MANE Select); coding-DNA position 1494, C replaced by T.
Protein change: p.Ser498=; no amino-acid change (serine 498 retained).
Molecular consequence: synonymous variant.
Genome position (GRCh38, 1-based): chr2:120,982,742, C>T. VCF-style: chr2-120982742-C-T. GRCh37 (hg19) VCF-style: chr2-121740318-C-T.
Other names: c.1545C>T, p.Ser515= (NM_001371271.1, NM_005270.5); c.1119C>T, p.Ser373= (NM_001374354.1).
Identifiers: ClinVar variation 5041853 (VCV005041853.1).
Genomic context (GRCh38, chr2:120,982,742, plus strand): 5'-GGGTGCCTTGACTGACTGAACCGCCTCCTTCTAGTTCGAGGGCTGCTCGAAGGCCTACTC[C>T]CGCCTGGAGAACCTGAAGACACACCTGCGGTCCCACACCGGGGAGAAGCCATATGTGTGT-3'
Protein context (NP_001361282.1, residues 488-508): CTFEGCSKAY[Ser498=]RLENLKTHLR

ClinVar aggregate classification (germline): Likely benign (1 of 4 stars; one submission).

Submission:

CeGaT Center for Human Genetics Tuebingen
Classification: Likely benign. Last evaluated: 2026-09-01. Review status: criteria provided, single submitter. Criteria: CeGaT Center For Human Genetics Tuebingen Variant Classification Criteria Version 2. Collection method: clinical testing. Allele origin: germline. Affected: yes. Observed: 1 variant allele.
Comment: GLI2: PM2:Supporting, BP4, BP7